The following is an entry in ClinVar:

NM_001370259.2(MEN1):c.635A>G (p.Asn212Ser)

Gene: MEN1 (menin 1; minus strand). Cytogenetic location: 11q13.1.
Variant type: single nucleotide variant.
Coding change: c.635A>G on transcript NM_001370259.2 (MANE Select); coding-DNA position 635, A replaced by G.
Protein change: p.Asn212Ser; replaces asparagine 212 with serine.
Molecular consequence: missense variant. On other transcripts: intron variant (2).
Genome position (GRCh38, 1-based): chr11:64,807,910, T>C on the plus strand (A>G on the coding strand, the complement: MEN1 is on the minus strand). VCF-style: chr11-64807910-T-C. GRCh37 (hg19) VCF-style: chr11-64575382-T-C.
Other names: c.650A>G, p.Asn217Ser (NM_000244.4, NM_130800.3, NM_130801.3 and 3 more transcripts); c.635A>G, p.Asn212Ser (NM_001370251.2, NM_001370260.2, NM_001370261.2 and 1 more transcripts); c.549+86A>G (NM_001370263.2, NM_001370262.2); short protein forms N212S, N217S.
Identifiers: ClinVar variation 527258 (VCV000527258.21), dbSNP rs1438685841, ClinGen allele CA381185348.

ClinVar aggregate classification (germline): Uncertain significance. Review status: criteria provided, multiple submitters, no conflicts (2 of 4 stars). 8 submissions from 8 submitters: Uncertain significance (8). Last evaluated 2025-10-18.

Conditions:
Hereditary cancer-predisposing syndrome. Also called: Neoplastic Syndromes, Hereditary; Tumor predisposition; Hereditary neoplastic syndrome; Hereditary Cancer Syndrome. Identifiers: Orphanet 140162, MedGen C0027672, MeSH D009386, MONDO:0015356.
Multiple endocrine neoplasia, type 1 (MEN1). Also called: MEN I; WERMER SYNDROME; Endocrine adenomatosis multiple; MEN 1; MEA I. Identifiers: Orphanet 652, MedGen C0025267, MeSH D018761, MONDO:0007540, OMIM 131100.

Allele frequency attached by ClinVar (database versions not stated): gnomAD exomes below 0.00001; gnomAD 0.00001; TOPMed 0.00001.

Submissions (8):

Quest Diagnostics Nichols Institute San Juan Capistrano
Classification: Uncertain significance. Last evaluated: 2025-10-18. Review status: criteria provided, single submitter. Criteria: Quest Diagnostics criteria. Collection method: clinical testing. Allele origin: unknown.

Labcorp Genetics (formerly Invitae), Labcorp
Classification: Uncertain significance for Multiple endocrine neoplasia, type 1. Last evaluated: 2025-03-02. Review status: criteria provided, single submitter. Criteria: Invitae Variant Classification Sherloc (09022015). Collection method: clinical testing. Allele origin: germline.
Comment: This sequence change replaces asparagine, which is neutral and polar, with serine, which is neutral and polar, at codon 212 of the MEN1 protein (p.Asn212Ser). This variant is not present in population databases (gnomAD no frequency). This variant has not been reported in the literature in individuals affected with MEN1-related conditions. ClinVar contains an entry for this variant (Variation ID: 527258). Invitae Evidence Modeling of protein sequence and biophysical properties (such as structural, functional, and spatial information, amino acid conservation, physicochemical variation, residue mobility, and thermodynamic stability) indicates that this missense variant is not expected to disrupt MEN1 protein function with a negative predictive value of 95%. In summary, the available evidence is currently insufficient to determine the role of this variant in disease. Therefore, it has been classified as a Variant of Uncertain Significance.

GeneDx
Classification: Uncertain significance. Last evaluated: 2025-02-02. Review status: criteria provided, single submitter. Criteria: GeneDx Variant Classification Process June 2021. Collection method: clinical testing. Allele origin: germline. Affected: yes.
Comment: Not observed at significant frequency in large population cohorts (gnomAD); In silico analysis indicates that this missense variant does not alter protein structure/function; In silico analysis suggests this variant may impact gene splicing. In the absence of RNA/functional studies, the actual effect of this sequence change is unknown; Has not been previously published as pathogenic or benign to our knowledge; This variant is associated with the following publications: (PMID: 9989505)

Ambry Genetics
Classification: Uncertain significance for Hereditary cancer-predisposing syndrome. Last evaluated: 2024-11-08. Review status: criteria provided, single submitter. Criteria: Ambry Variant Classification Scheme 2023. Collection method: clinical testing. Allele origin: germline.
Comment: The p.N212S variant (also known as c.635A>G), located in coding exon 2 of the MEN1 gene, results from an A to G substitution at nucleotide position 635. The asparagine at codon 212 is replaced by serine, an amino acid with highly similar properties. This amino acid position is well conserved in available vertebrate species. In addition, this alteration is predicted to be tolerated by in silico analysis. Based on the available evidence, the clinical significance of this variant remains unclear.

Baylor Genetics
Classification: Uncertain significance for Multiple Endocrine Neoplasia Type 1. Last evaluated: 2024-01-19. Review status: criteria provided, single submitter. Criteria: ACMG Guidelines, 2015. Collection method: clinical testing. Allele origin: unknown.

All of Us Research Program, National Institutes of Health
Classification: Uncertain significance for Multiple endocrine neoplasia, type 1. Last evaluated: 2023-12-13. Review status: criteria provided, single submitter. Criteria: ACMG Guidelines, 2015. Collection method: clinical testing. Allele origin: germline. Inheritance: Autosomal dominant inheritance. Observed: 1 variant allele, 1 heterozygote.
Comment: This missense variant replaces asparagine with serine at codon 212 of the MEN1 protein. Computational prediction suggests that this variant may not impact protein structure and function (internally defined REVEL score threshold <= 0.5, PMID: 27666373). To our knowledge, functional studies have not been reported for this variant. This variant has not been reported in individuals affected with MEN1-related disorders in the literature. This variant has not been identified in the general population by the Genome Aggregation Database (gnomAD). The available evidence is insufficient to determine the role of this variant in disease conclusively. Therefore, this variant is classified as a Variant of Uncertain Significance.

This study involves interpretation of variants in research participants for the purpose of population health screening. Participant phenotype was not available at the time of variant classification. Additional details can be found in publication PMID: 35346344, PMCID: PMC8962531

Color Diagnostics, LLC DBA Color Health
Classification: Uncertain significance for Multiple endocrine neoplasia, type 1. Last evaluated: 2023-11-08. Review status: criteria provided, single submitter. Criteria: ACMG Guidelines, 2015. Collection method: clinical testing. Allele origin: germline.
Comment: This missense variant replaces asparagine with serine at codon 212 of the MEN1 protein. Computational prediction suggests that this variant may not impact protein structure and function. To our knowledge, functional studies have not been reported for this variant. This variant has not been reported in individuals affected with MEN1-related disorders in the literature. This variant has not been identified in the general population by the Genome Aggregation Database (gnomAD). The available evidence is insufficient to determine the role of this variant in disease conclusively. Therefore, this variant is classified as a Variant of Uncertain Significance.

Mendelics
Classification: Uncertain significance. Last evaluated: 2022-05-04. Review status: criteria provided, single submitter. Criteria: Mendelics Assertion Criteria 2019. Collection method: clinical testing. Allele origin: germline.